The following is an entry in ClinVar:

ClinVar aggregate classification (germline): Uncertain significance. Review status: criteria provided, multiple submitters, no conflicts (2 of 4 stars). 2 submissions from 2 submitters: Uncertain significance (2). Last evaluated 2024-05-24.

Conditions:
Axenfeld-Rieger syndrome type 3 (RIEG3). Also called: AXENFELD-RIEGER ANOMALY WITH CARDIAC DEFECTS AND/OR SENSORINEURAL HEARING LOSS. Identifiers: Orphanet 782, MedGen C2678503, MONDO:0011233, OMIM 602482.
Anterior segment dysgenesis 3 (ASGD3). Also called: Glaucoma iridogoniodysplasia, familial; IRIDOGONIODYSGENESIS ANOMALY, AUTOSOMAL DOMINANT. Identifiers: Orphanet 91483, MedGen C5975707, MONDO:0024456, OMIM 601631.

Allele frequency attached by ClinVar (database versions not stated): gnomAD 0.00003; TOPMed 0.00003.

Submissions (2):

Fulgent Genetics
Classification: Uncertain significance for Anterior segment dysgenesis 3; Axenfeld-Rieger syndrome type 3. Last evaluated: 2024-05-24. Review status: criteria provided, single submitter. Criteria: ACMG Guidelines, 2015. Collection method: clinical testing. Allele origin: germline.

Labcorp Genetics (formerly Invitae), Labcorp
Classification: Uncertain significance for Axenfeld-Rieger syndrome type 3. Last evaluated: 2024-04-20. Review status: criteria provided, single submitter. Criteria: Invitae Variant Classification Sherloc (09022015). Collection method: clinical testing. Allele origin: germline.
Comment: This sequence change replaces proline, which is neutral and non-polar, with leucine, which is neutral and non-polar, at codon 242 of the FOXC1 protein (p.Pro242Leu). The frequency data for this variant in the population databases is considered unreliable, as metrics indicate poor data quality at this position in the gnomAD database. This variant has not been reported in the literature in individuals affected with FOXC1-related conditions. ClinVar contains an entry for this variant (Variation ID: 2082047). An algorithm developed to predict the effect of missense changes on protein structure and function (PolyPhen-2) suggests that this variant is likely to be disruptive. In summary, the available evidence is currently insufficient to determine the role of this variant in disease. Therefore, it has been classified as a Variant of Uncertain Significance.

NM_001453.3(FOXC1):c.725C>T (p.Pro242Leu)

Gene: FOXC1 (forkhead box C1; plus strand). Cytogenetic location: 6p25.3.
Variant type: single nucleotide variant.
Coding change: c.725C>T on transcript NM_001453.3 (MANE Select); coding-DNA position 725, C replaced by T.
Protein change: p.Pro242Leu; replaces proline 242 with leucine.
Molecular consequence: missense variant.
Genome position (GRCh38, 1-based): chr6:1,611,170, C>T. VCF-style: chr6-1611170-C-T. GRCh37 (hg19) VCF-style: chr6-1611405-C-T.
Other names: short protein forms P242L.
Identifiers: ClinVar variation 2082047 (VCV002082047.5), dbSNP rs761930785, ClinGen allele CA3614814.